The following is an entry in ClinVar:

NM_033656.4(BRWD1):c.4107G>A (p.Ala1369=)

Gene: BRWD1 (bromodomain and WD repeat domain containing 1; minus strand). Cytogenetic location: 21q22.2.
Variant type: single nucleotide variant.
Coding change: c.4107G>A on transcript NM_033656.4 (MANE Select); coding-DNA position 4107, G replaced by A.
Protein change: p.Ala1369=; no amino-acid change (alanine 1369 retained).
Molecular consequence: synonymous variant.
Genome position (GRCh38, 1-based): chr21:39,210,085, C>T on the plus strand (G>A on the coding strand, the complement: BRWD1 is on the minus strand). VCF-style: chr21-39210085-C-T. GRCh37 (hg19) VCF-style: chr21-40582011-C-T.
Other names: c.4107G>A, p.Ala1369= (NM_018963.5).
Identifiers: ClinVar variation 3044935 (VCV003044935.2), dbSNP rs182568595, ClinGen allele CA10026776.

ClinVar aggregate classification (germline): Likely benign (0 of 4 stars; one submission).

Conditions:
BRWD1-related disorder. Also called: BRWD1-related condition.

Allele frequency attached by ClinVar (database versions not stated): TOPMed 0.00003; gnomAD exomes 0.00006; ExAC 0.00023; 1000 Genomes Project 30x 0.00047; 1000 Genomes Project 0.00060.
gnomAD v4.1: 100 of 1,613,298 alleles (0.0062%); highest among the groups gnomAD compares: South Asian, 0.06%; 1 homozygote.

Submission:

PreventionGenetics, part of Exact Sciences
Classification: Likely benign for BRWD1-related condition. Last evaluated: 2019-06-07. Review status: no assertion criteria provided. Collection method: clinical testing. Allele origin: germline.
Comment: This variant is classified as likely benign based on ACMG/AMP sequence variant interpretation guidelines (Richards et al. 2015 PMID: 25741868, with internal and published modifications).